The following is an entry in ClinVar:

ClinVar aggregate classification (germline): Uncertain significance (1 of 4 stars; one submission).

Conditions:
Hereditary cancer-predisposing syndrome. Also called: Hereditary Cancer Syndrome; Hereditary neoplastic syndrome; Neoplastic Syndromes, Hereditary; Tumor predisposition. Identifiers: Orphanet 140162, MedGen C0027672, MeSH D009386, MONDO:0015356.

Submission:

Ambry Genetics
Classification: Uncertain significance for Hereditary cancer-predisposing syndrome. Last evaluated: 2025-06-21. Review status: criteria provided, single submitter. Criteria: Ambry Variant Classification Scheme 2023. Collection method: clinical testing. Allele origin: germline.
Comment: The p.S498N variant (also known as c.1493G>A), located in coding exon 12 of the EGFR gene, results from a G to A substitution at nucleotide position 1493. The serine at codon 498 is replaced by asparagine, an amino acid with highly similar properties. This amino acid position is conserved. In addition, this alteration is predicted to be tolerated by in silico analysis. Based on the available evidence, the clinical significance of this variant remains unclear.

NM_005228.5(EGFR):c.1493G>A (p.Ser498Asn)

Gene: EGFR (epidermal growth factor receptor; plus strand). Cytogenetic location: 7p11.2.
Variant type: single nucleotide variant.
Coding change: c.1493G>A on transcript NM_005228.5 (MANE Select); coding-DNA position 1493, G replaced by A.
Protein change: p.Ser498Asn; replaces serine 498 with asparagine.
Molecular consequence: missense variant.
Genome position (GRCh38, 1-based): chr7:55,160,333, G>A. VCF-style: chr7-55160333-G-A. GRCh37 (hg19) VCF-style: chr7-55228026-G-A.
Other names: c.692G>A, p.Ser231Asn (NM_001346941.2); c.1493G>A, p.Ser498Asn (NM_201282.2, NM_201284.2, NM_001346898.2); c.1358G>A, p.Ser453Asn (NM_001346897.2, NM_001346899.2); c.1334G>A, p.Ser445Asn (NM_001346900.2); short protein forms S231N, S453N, S498N, S445N.
Identifiers: ClinVar variation 4247277 (VCV004247277.1).